The following is an entry in ClinVar:

NM_001278716.2(FBXL4):c.16_18del (p.Pro6del)

Gene: FBXL4 (F-box and leucine rich repeat protein 4; minus strand). Cytogenetic location: 6q16.2.
Variant type: Deletion.
Coding change: c.16_18del on transcript NM_001278716.2 (MANE Select); coding-DNA positions 16 to 18, 3 bases deleted (CCC; older notation c.16_18delCCC).
Protein change: p.Pro6del; deletes proline 6.
Molecular consequence: inframe deletion. On other transcripts: non-coding transcript variant (2).
Genome position (GRCh38, 1-based): chr6:98,926,971-98,926,973, GGG deleted on the plus strand (CCC on the coding strand, the reverse complement: FBXL4 is on the minus strand). VCF-style (leftmost placement, unchanged base first): chr6-98926970-TGGG-T. GRCh37 (hg19) VCF-style: chr6-99374846-TGGG-T.
Other names: c.16_18del, p.Pro6del (NM_012160.5); short protein forms P6del.
Identifiers: ClinVar variation 437512 (VCV000437512.1), dbSNP rs755307129, ClinGen allele CA3933763.

ClinVar aggregate classification (germline): Uncertain significance (1 of 4 stars; one submission).

Conditions:
Mitochondrial DNA depletion syndrome 13. Also called: FBXL4-Related Encephalomyopathic Mitochondrial DNA Depletion Syndrome; Mitochondrial DNA depletion syndrome 13 (encephalomyopathic type). Identifiers: Orphanet 369897, MedGen C3809592, MONDO:0014198, OMIM 615471.

Allele frequency attached by ClinVar (database versions not stated): gnomAD exomes below 0.00001 and 0.00001; ExAC 0.00002.

Submission:

Wong Mito Lab, Molecular and Human Genetics, Baylor College of Medicine
Classification: Uncertain significance for Mitochondrial DNA depletion syndrome 13. Last evaluated: 2017-08-10. Review status: criteria provided, single submitter. Criteria: ACMG Guidelines, 2015. Collection method: reference population. Allele origin: germline.
Comment: The NM_012160.4:c.16_18del (NP_036292.2:p.Pro6del) [GRCH38: NC_000006.12:g.98926971_98926973del] variant in FBXL4 gene is interpretated to be a Uncertain Significance - Insufficient Evidence based on ACMG guidelines (PMID: 25741868). This variant meets one or more of the following evidence codes reported in the ACMG-guideline. PM2:This variant is absent in key population databases. Based on this evidence code ClinGen Pathogenicity Calculator (PMID:28081714) suggested that the variant is Uncertain Significance - Insufficient Evidence.